The following is an entry in ClinVar:

NM_001009944.3(PKD1):c.12120C>T (p.Tyr4040=)

Gene: PKD1 (polycystin 1, transient receptor potential channel interacting; minus strand). Cytogenetic location: 16p13.3.
Variant type: single nucleotide variant.
Coding change: c.12120C>T on transcript NM_001009944.3 (MANE Select); coding-DNA position 12120, C replaced by T.
Protein change: p.Tyr4040=; no amino-acid change (tyrosine 4040 retained).
Molecular consequence: synonymous variant.
Genome position (GRCh38, 1-based): chr16:2,090,692, G>A on the plus strand (C>T on the coding strand, the complement: PKD1 is on the minus strand). VCF-style: chr16-2090692-G-A. GRCh37 (hg19) VCF-style: chr16-2140693-G-A.
Other names: c.12117C>T, p.Tyr4039= (NM_000296.4).
Identifiers: ClinVar variation 4986576 (VCV004986576.1).

ClinVar aggregate classification (germline): Likely benign (1 of 4 stars; one submission).

Conditions:
PKD1-related disorder. Also called: PKD1-related condition.

gnomAD v4.1: 28 of 1,612,332 alleles (0.0017%); highest among the groups gnomAD compares: South Asian, 0.011%; no homozygotes.

Submission:

PreventionGenetics, part of Exact Sciences
Classification: Likely benign for PKD1-related condition. Last evaluated: 2026-06-10. Review status: criteria provided, single submitter. Criteria: ACMG Guidelines, 2015. Collection method: clinical testing. Allele origin: germline.
Comment: This variant is classified as likely benign based on ACMG/AMP sequence variant interpretation guidelines (Richards et al. 2015 PMID: 25741868, with internal and published modifications).